The following is an entry in ClinVar:

ClinVar aggregate classification (germline): Conflicting classifications of pathogenicity. Review status: criteria provided, conflicting classifications (1 of 4 stars). 4 submissions from 4 submitters: Uncertain significance (1); Likely benign (3). Last evaluated 2025-12-24.

Conditions:
SLC45A2-related disorder. Also called: SLC45A2-related condition.

Allele frequency attached by ClinVar (database versions not stated): TOPMed 0.00011; 1000 Genomes Project 30x 0.00016.
gnomAD v4.1: 194 of 1,614,022 alleles (0.012%); highest among the groups gnomAD compares: Admixed American, 0.31%; 2 homozygotes.

Submissions (4):

Labcorp Genetics (formerly Invitae), Labcorp
Classification: Likely benign. Last evaluated: 2025-12-24. Review status: criteria provided, single submitter. Criteria: Invitae Variant Classification Sherloc (09022015). Collection method: clinical testing. Allele origin: germline.

PreventionGenetics, part of Exact Sciences
Classification: Likely benign for SLC45A2-related condition. Last evaluated: 2025-03-19. Review status: criteria provided, single submitter. Criteria: ACMG Guidelines, 2015. Collection method: clinical testing. Allele origin: germline.
Comment: This variant is classified as likely benign based on ACMG/AMP sequence variant interpretation guidelines (Richards et al. 2015 PMID: 25741868, with internal and published modifications).

Blueprint Genetics
Classification: Likely benign. Last evaluated: 2023-05-05. Review status: criteria provided, single submitter. Criteria: ACMG Guidelines, 2015. Collection method: clinical testing. Allele origin: germline.

GeneDx
Classification: Uncertain significance. Last evaluated: 2023-04-13. Review status: criteria provided, single submitter. Criteria: GeneDx Variant Classification Process June 2021. Collection method: clinical testing. Allele origin: germline. Affected: yes.
Comment: In silico analysis supports that this missense variant has a deleterious effect on protein structure/function; Has not been previously published as pathogenic or benign to our knowledge

NM_016180.5(SLC45A2):c.953G>T (p.Arg318Leu)

Gene: SLC45A2 (solute carrier family 45 member 2; minus strand). Cytogenetic location: 5p13.2.
Variant type: single nucleotide variant.
Coding change: c.953G>T on transcript NM_016180.5 (MANE Select); coding-DNA position 953, G replaced by T.
Protein change: p.Arg318Leu; replaces arginine 318 with leucine.
Molecular consequence: missense variant. On other transcripts: synonymous variant (1).
Genome position (GRCh38, 1-based): chr5:33,954,440, C>A on the plus strand (G>T on the coding strand, the complement: SLC45A2 is on the minus strand). VCF-style: chr5-33954440-C-A. GRCh37 (hg19) VCF-style: chr5-33954545-C-A.
Other names: c.953G>T, p.Arg318Leu (NM_001012509.4); c.627G>T, p.Pro209= (NM_001297417.4); c.953G>T (NM_016180.3); short protein forms R318L.
Identifiers: ClinVar variation 725578 (VCV000725578.11), dbSNP rs142299109, ClinGen allele CA3225635.